The following is an entry in ClinVar:

NM_003738.5(PTCH2):c.811C>T (p.Gln271Ter)

Gene: PTCH2 (patched 2; minus strand). Cytogenetic location: 1p34.1.
Variant type: single nucleotide variant.
Coding change: c.811C>T on transcript NM_003738.5 (MANE Select); coding-DNA position 811, C replaced by T.
Protein change: p.Gln271Ter; replaces glutamine 271 with a stop codon.
Molecular consequence: nonsense.
Genome position (GRCh38, 1-based): chr1:44,830,850, G>A on the plus strand (C>T on the coding strand, the complement: PTCH2 is on the minus strand). VCF-style: chr1-44830850-G-A. GRCh37 (hg19) VCF-style: chr1-45296522-G-A.
Other names: c.811C>T, p.Gln271Ter (NM_001166292.2); short protein forms Q271*.
Identifiers: ClinVar variation 935597 (VCV000935597.6), dbSNP rs1179743544, ClinGen allele CA340105760.
Genomic context (GRCh38, chr1:44,830,850, plus strand): 5'-TGAGGAAGGGAAAGGGAAGGAAAACAGCCTTTCCCTGGCAGACCTGGTTGGAACCCACCT[G>A]CCTGCTGTGATGGTTGGGGGCACTAGGTGGGCAGTGGAGGTCATCAGGGTGCAGACAGGG-3'

ClinVar aggregate classification (germline): Uncertain significance (1 of 4 stars; one submission).

Conditions:
Gorlin syndrome. Also called: Nevoid Basal Cell Carcinoma Syndrome; Basal cell nevus syndrome. Identifiers: Orphanet 377, MedGen C0004779, MONDO:0007187.

Allele frequency attached by ClinVar (database versions not stated): TOPMed 0.00001; gnomAD 0.00002.
gnomAD v4.1: 9 of 1,551,718 alleles (0.00058%); highest among the groups gnomAD compares: Non-Finnish European, 0.00079%; no homozygotes.

Submission:

Labcorp Genetics (formerly Invitae), Labcorp
Classification: Uncertain significance for Gorlin syndrome. Last evaluated: 2021-01-26. Review status: criteria provided, single submitter. Criteria: Invitae Variant Classification Sherloc (09022015). Collection method: clinical testing. Allele origin: germline.
Comment: This sequence change creates a premature translational stop signal (p.Gln271*) in the PTCH2 gene. It is expected to result in an absent or disrupted protein product. This variant is not present in population databases (ExAC no frequency). This variant has not been reported in the literature in individuals with PTCH2-related conditions. Algorithms developed to predict the effect of sequence changes on RNA splicing suggest that this variant may create or strengthen a splice site, but this prediction has not been confirmed by published transcriptional studies. The current clinical and genetic evidence is not sufficient to establish whether loss-of-function variants in PTCH2 cause disease. In summary, the available evidence is currently insufficient to determine the role of this variant in disease. Therefore, it has been classified as a Variant of Uncertain Significance.